The following is an entry in ClinVar:

NM_001736.4(C5AR1):c.813G>A (p.Ser271=)

Gene: C5AR1 (complement C5a receptor 1; plus strand). Cytogenetic location: 19q13.32.
Variant type: single nucleotide variant.
Coding change: c.813G>A on transcript NM_001736.4 (MANE Select); coding-DNA position 813, G replaced by A.
Protein change: p.Ser271=; no amino-acid change (serine 271 retained).
Molecular consequence: synonymous variant.
Genome position (GRCh38, 1-based): chr19:47,320,590, G>A. VCF-style: chr19-47320590-G-A. GRCh37 (hg19) VCF-style: chr19-47823847-G-A.
Identifiers: ClinVar variation 3051110 (VCV003051110.2), dbSNP rs948785923, ClinGen allele CA309159831.

ClinVar aggregate classification (germline): Likely benign (0 of 4 stars; one submission).

Conditions:
C5AR1-related disorder. Also called: C5AR1-related condition.

Allele frequency attached by ClinVar (database versions not stated): gnomAD exomes 0.00001; gnomAD 0.00002; TOPMed 0.00002.

Submission:

PreventionGenetics, part of Exact Sciences
Classification: Likely benign for C5AR1-related condition. Last evaluated: 2023-09-04. Review status: no assertion criteria provided. Collection method: clinical testing. Allele origin: germline.
Comment: This variant is classified as likely benign based on ACMG/AMP sequence variant interpretation guidelines (Richards et al. 2015 PMID: 25741868, with internal and published modifications).